The following is an entry in ClinVar:

ClinVar aggregate classification (germline): Pathogenic/Likely pathogenic. Review status: criteria provided, multiple submitters, no conflicts (2 of 4 stars). 6 submissions from 6 submitters: Pathogenic (4); Likely pathogenic (1). 1 of the submissions does not count toward it. Last evaluated 2026-01-26.

Conditions:
RHO-related disorder. Also called: RHO-related condition.
Retinal dystrophy. Also called: Inherited retinal dystrophy. Identifiers: Orphanet 71862, MedGen C0854723, MeSH D058499, MONDO:0019118, HP:0000556.
Retinitis pigmentosa (RP). Identifiers: Orphanet 791, MedGen C0035334, MeSH D012174, MONDO:0019200, OMIM 268000. Inheritance: Autosomal dominant, autosomal recessive and X linked inheritance.
Retinitis pigmentosa 4 (RP4). Also called: RETINITIS PIGMENTOSA, RHODOPSIN-RELATED. Identifiers: Orphanet 791, MedGen C3151001, MONDO:0013395, OMIM 613731.

Submissions (6):

Medical and Scientific Branch, Hong Kong Genome Institute
Classification: Pathogenic for Retinitis pigmentosa 4. Last evaluated: 2026-01-26. Review status: criteria provided, single submitter. Criteria: ACMG Guidelines, 2015. Collection method: clinical testing. Allele origin: maternal. Affected: yes.

Blueprint Genetics
Classification: Pathogenic for RHO-related disorders. Last evaluated: 2022-04-03. Review status: criteria provided, single submitter. Criteria: ACMG Guidelines, 2015. Collection method: clinical testing. Allele origin: germline. Affected: yes. Observed: 1 variant allele.

Centre for Genomic Medicine, Manchester, Central Manchester University Hospitals
Classification: Likely pathogenic for Retinitis pigmentosa 4. Last evaluated: 2020-09-01. Review status: criteria provided, single submitter. Criteria: ACMG Guidelines, 2015. Collection method: clinical testing. Allele origin: germline. Affected: yes. Observed: 1 heterozygote.

GeneDx
Classification: Pathogenic. Last evaluated: 2019-03-14. Review status: criteria provided, single submitter. Criteria: GeneDx Variant Classification (06012015). Collection method: clinical testing. Allele origin: germline. Affected: yes.
Comment: The Y60X variant in the RHO gene has been reported previously in association with autosomal dominant retinitis pigmentosa (Eisenberger et al., 2013). This variant is predicted to cause loss of normal protein function either through protein truncation or nonsense-mediated mRNA decay. The Y60X variant is not observed in large population cohorts (Lek et al., 2016). We interpret Y60X as a pathogenic variant.

Institute of Human Genetics, Univ. Regensburg, Univ. Regensburg
Classification: Pathogenic for Retinal dystrophy. Last evaluated: 2019-01-01. Review status: criteria provided, single submitter. Criteria: ACMG Guidelines, 2015. Collection method: clinical testing. Allele origin: germline. Affected: yes.

Department of Ophthalmology and Visual Sciences Kyoto University
Classification: Likely pathogenic for Retinitis pigmentosa. Review status: no assertion criteria provided. Collection method: not provided. Allele origin: unknown. Not counted in ClinVar's aggregate classification.
ClinVar note: Converted during submission from probable-pathogenic to Likely pathogenic.

Literature cited by the submitters: PubMed 24265693 (cited by Institute of Human Genetics, Univ. Regensburg, Univ. Regensburg); PubMed 3097756 (cited by Institute of Human Genetics, Univ. Regensburg, Univ. Regensburg).

NM_000539.3(RHO):c.180C>A (p.Tyr60Ter)

Gene: RHO (rhodopsin; plus strand). Cytogenetic location: 3q22.1.
Variant type: single nucleotide variant.
Coding change: c.180C>A on transcript NM_000539.3 (MANE Select); coding-DNA position 180, C replaced by A.
Protein change: p.Tyr60Ter; replaces tyrosine 60 with a stop codon.
Molecular consequence: nonsense.
Genome position (GRCh38, 1-based): chr3:129,528,913, C>A. VCF-style: chr3-129528913-C-A. GRCh37 (hg19) VCF-style: chr3-129247756-C-A.
Other names: short protein forms Y60*.
Identifiers: ClinVar variation 143079 (VCV000143079.7), dbSNP rs527236101, ClinGen allele CA270021.